The following is an entry in ClinVar:

NM_018406.7(MUC4):c.3396T>C (p.Gly1132=)

Gene: MUC4 (mucin 4, cell surface associated). Cytogenetic location: 3q29.
Variant type: single nucleotide variant.
Coding change: c.3396T>C on transcript NM_018406.7 (MANE Select); coding-DNA position 3396, T replaced by C.
Protein change: p.Gly1132=; no amino-acid change (glycine 1132 retained).
Molecular consequence: synonymous variant. On other transcripts: genic upstream transcript variant (2).
Genome position (GRCh38, 1-based): chr3:195,788,184, A>G on the plus strand (T>C on the coding strand, the complement: MUC4 is on the minus strand). VCF-style: chr3-195788184-A-G. GRCh37 (hg19) VCF-style: chr3-195515055-A-G.
Other names: c.3459T>C, p.Gly1153= (NM_001322468.1); c.83-13879T>C (NM_138297.5); c.83-9729T>C (NM_004532.6).
Identifiers: ClinVar variation 2654481 (VCV002654481.24), dbSNP rs1165527129, ClinGen allele CA438042769.

ClinVar aggregate classification (germline): Likely benign (1 of 4 stars; one submission).

Submission:

CeGaT Center for Human Genetics Tuebingen
Classification: Likely benign. Last evaluated: 2023-04-01. Review status: criteria provided, single submitter. Criteria: CeGaT Center For Human Genetics Tuebingen Variant Classification Criteria Version 2. Collection method: clinical testing. Allele origin: germline. Affected: yes. Observed: 1 variant allele.
Comment: MUC4: PM2:Supporting, BP4, BP7